The following is an entry in ClinVar:

NM_014780.5(CUL7):c.3257G>A (p.Gly1086Asp)

Gene: CUL7 (cullin 7; minus strand). Cytogenetic location: 6p21.1.
Variant type: single nucleotide variant.
Coding change: c.3257G>A on transcript NM_014780.5 (MANE Select); coding-DNA position 3257, G replaced by A.
Protein change: p.Gly1086Asp; replaces glycine 1086 with aspartic acid.
Molecular consequence: missense variant.
Genome position (GRCh38, 1-based): chr6:43,043,546, C>T on the plus strand (G>A on the coding strand, the complement: CUL7 is on the minus strand). VCF-style: chr6-43043546-C-T. GRCh37 (hg19) VCF-style: chr6-43011284-C-T.
Other names: c.3353G>A, p.Gly1118Asp (NM_001168370.2, NM_001374872.1); c.3257G>A, p.Gly1086Asp (NM_001374873.1, NM_001374874.1); short protein forms G1086D, G1118D.
Identifiers: ClinVar variation 2398447 (VCV002398447.4), dbSNP rs776904209, ClinGen allele CA364204389.

ClinVar aggregate classification (germline): Uncertain significance. Review status: criteria provided, multiple submitters, no conflicts (2 of 4 stars). 2 submissions from 2 submitters: Uncertain significance (2). Last evaluated 2025-07-02.

Conditions:
Inborn genetic diseases. Identifiers: MedGen C0950123, MeSH D030342.
CUL7-related disorder. Also called: CUL7-related condition.

Allele frequency attached by ClinVar (database versions not stated): TOPMed 0.00001; gnomAD 0.00002.
gnomAD v4.1: 25 of 1,613,936 alleles (0.0015%); highest among the groups gnomAD compares: African/African-American, 0.0053%; no homozygotes.

Submissions (2):

Ambry Genetics
Classification: Uncertain significance for Inborn genetic diseases. Last evaluated: 2025-07-02. Review status: criteria provided, single submitter. Criteria: Ambry Variant Classification Scheme 2023. Collection method: clinical testing. Allele origin: germline.

PreventionGenetics, part of Exact Sciences
Classification: Uncertain significance for CUL7-related condition. Last evaluated: 2022-11-21. Review status: criteria provided, single submitter. Criteria: ACMG Guidelines, 2015. Collection method: clinical testing. Allele origin: germline.
Comment: The CUL7 c.3257G>A variant is predicted to result in the amino acid substitution p.Gly1086Asp. To our knowledge, this variant has not been reported in the literature. This variant is reported in 0.0082% of alleles in individuals of African descent in gnomAD. At this time, the clinical significance of this variant is uncertain due to the absence of conclusive functional and genetic evidence.